The following is an entry in ClinVar:

NC_000007.13:g.(?_55086971)_(55219075_?)dup

Gene: EGFR (epidermal growth factor receptor; plus strand). Cytogenetic location: 7p11.2.
Variant type: Duplication.
Identifiers: ClinVar variation 3245836 (VCV003245836.1).

ClinVar aggregate classification (germline): Uncertain significance (1 of 4 stars; one submission).

Conditions:
EGFR-related lung cancer (EGFR). Identifiers: MedGen CN130014.

Submission:

Labcorp Genetics (formerly Invitae), Labcorp
Classification: Uncertain significance for EGFR-related lung cancer. Last evaluated: 2024-01-15. Review status: criteria provided, single submitter. Criteria: Invitae Variant Classification Sherloc (09022015). Collection method: clinical testing. Allele origin: unknown.
Comment: This variant results in a copy number gain of the genomic region encompassing exon(s) 1-5 of the EGFR gene. This region includes the initiator codon of the gene. This copy number gain extends beyond the assayed region for this gene and therefore may encompass additional genes. As the precise location of this event is unknown, it may be in tandem or it may be located elsewhere in the genome. This variant has not been reported in the literature in individuals affected with EGFR-related conditions. In summary, the available evidence is currently insufficient to determine the role of this variant in disease. Therefore, it has been classified as a Variant of Uncertain Significance.